The following is an entry in ClinVar:

ClinVar aggregate classification (germline): Uncertain significance (1 of 4 stars; one submission).

Conditions:
Inborn genetic diseases. Identifiers: MedGen C0950123, MeSH D030342.

gnomAD v4.1: 1 of 1,614,122 alleles (0.000062%); highest among the groups gnomAD compares: Non-Finnish European, 0.000085%; no homozygotes.

Submission:

Ambry Genetics
Classification: Uncertain significance for Inborn genetic diseases. Last evaluated: 2022-06-11. Review status: criteria provided, single submitter. Criteria: Ambry Variant Classification Scheme 2023. Collection method: clinical testing. Allele origin: germline.
Comment: The p.E600Q variant (also known as c.1798G>C), located in coding exon 12 of the EPAS1 gene, results from a G to C substitution at nucleotide position 1798. The glutamic acid at codon 600 is replaced by glutamine, an amino acid with highly similar properties. This amino acid position is conserved. In addition, this alteration is predicted to be tolerated by in silico analysis. Since supporting evidence is limited at this time, the clinical significance of this alteration remains unclear.

NM_001430.5(EPAS1):c.1798G>C (p.Glu600Gln)

Gene: EPAS1 (endothelial PAS domain protein 1; plus strand). Cytogenetic location: 2p21.
Variant type: single nucleotide variant.
Coding change: c.1798G>C on transcript NM_001430.5 (MANE Select); coding-DNA position 1798, G replaced by C.
Protein change: p.Glu600Gln; replaces glutamic acid 600 with glutamine.
Molecular consequence: missense variant.
Genome position (GRCh38, 1-based): chr2:46,380,470, G>C. VCF-style: chr2-46380470-G-C. GRCh37 (hg19) VCF-style: chr2-46607609-G-C.
Other names: short protein forms E600Q.
Identifiers: ClinVar variation 1780300 (VCV001780300.2), dbSNP rs201270032, ClinGen allele CA346704907.